The following is an entry in ClinVar:

NM_000059.4(BRCA2):c.4166T>C (p.Phe1389Ser)

Gene: BRCA2 (BRCA2 DNA repair associated; plus strand). Cytogenetic location: 13q13.1.
Variant type: single nucleotide variant.
Coding change: c.4166T>C on transcript NM_000059.4 (MANE Select); coding-DNA position 4166, T replaced by C.
Protein change: p.Phe1389Ser; replaces phenylalanine 1389 with serine.
Molecular consequence: missense variant.
Genome position (GRCh38, 1-based): chr13:32,338,521, T>C. VCF-style: chr13-32338521-T-C. GRCh37 (hg19) VCF-style: chr13-32912658-T-C.
Other names: short protein forms F1389S.
Identifiers: ClinVar variation 631176 (VCV000631176.12), dbSNP rs1566229818, ClinGen allele CA387780063.

ClinVar aggregate classification (germline): Conflicting classifications of pathogenicity. Review status: criteria provided, conflicting classifications (1 of 4 stars). 5 submissions from 5 submitters: Uncertain significance (3); Likely benign (1). 1 of the submissions does not count toward it. Last evaluated 2024-12-24.

Conditions:
Hereditary cancer-predisposing syndrome. Also called: Hereditary Cancer Syndrome; Neoplastic Syndromes, Hereditary; Tumor predisposition; Hereditary neoplastic syndrome. Identifiers: Orphanet 140162, MedGen C0027672, MeSH D009386, MONDO:0015356.
Breast-ovarian cancer, familial, susceptibility to, 2 (BROVCA2). Also called: BRCA2 Hereditary Breast and Ovarian Cancer. Identifiers: Orphanet 145, MedGen C2675520, MONDO:0012933, OMIM 612555. Disease mechanism: loss of function.

Submissions (5):

Quest Diagnostics Nichols Institute San Juan Capistrano
Classification: Uncertain significance. Last evaluated: 2024-12-24. Review status: criteria provided, single submitter. Criteria: Quest Diagnostics criteria. Collection method: clinical testing. Allele origin: unknown.
Comment: The BRCA2 c.4166T>C (p.Phe1389Ser) variant has been reported to be located in a region of the BRCA2 gene that is tolerant to missense sequence changes (PMID: 31911673 (2020)). To the best of our knowledge, this variant has not been reported in individuals with BRCA2-related disorders in the published literature. This variant has not been reported in large, multi-ethnic general populations (Genome Aggregation Database). Analysis of this variant using bioinformatics tools for the prediction of the effect of amino acid changes on protein structure and function yielded predictions that this variant is benign. Based on the available information, we are unable to determine the clinical significance of this variant.

Color Diagnostics, LLC DBA Color Health
Classification: Uncertain significance for Hereditary cancer-predisposing syndrome. Last evaluated: 2023-12-05. Review status: criteria provided, single submitter. Criteria: ACMG Guidelines, 2015. Collection method: clinical testing. Allele origin: germline.
Comment: This missense variant replaces phenylalanine with serine at codon 1389 of the BRCA2 protein. Computational prediction suggests that this variant may not impact protein structure and function (internally defined REVEL score threshold <= 0.5, PMID: 27666373). To our knowledge, functional studies have not been reported for this variant. This variant has not been reported in individuals affected with BRCA2-related disorders in the literature. This variant has not been identified in the general population by the Genome Aggregation Database (gnomAD). The available evidence is insufficient to determine the role of this variant in disease conclusively. Therefore, this variant is classified as a Variant of Uncertain Significance.

University of Washington Department of Laboratory Medicine, University of Washington
Classification: Likely benign for Hereditary cancer-predisposing syndrome. Last evaluated: 2023-03-23. Review status: criteria provided, single submitter. Criteria: Dines et al. (Genet Med. 2020). Collection method: curation. Allele origin: germline.
Comment: Missense variant in a coldspot region where missense variants are very unlikely to be pathogenic (PMID:31911673).

BRCA2 exon 11 coldspot. Reclassification based on statistical prior probability.

Ambry Genetics
Classification: Uncertain significance for Hereditary cancer-predisposing syndrome. Last evaluated: 2020-09-03. Review status: criteria provided, single submitter. Criteria: Ambry Variant Classification Scheme 2023. Collection method: clinical testing. Allele origin: germline.
Comment: The p.F1389S variant (also known as c.4166T>C), located in coding exon 10 of the BRCA2 gene, results from a T to C substitution at nucleotide position 4166. The phenylalanine at codon 1389 is replaced by serine, an amino acid with highly dissimilar properties. This amino acid position is poorly conserved in available vertebrate species. In addition, this alteration is predicted to be tolerated by in silico analysis. Since supporting evidence is limited at this time, the clinical significance of this alteration remains unclear.

BRCAlab, Lund University
Classification: Uncertain significance for Breast-ovarian cancer, familial, susceptibility to, 2. Last evaluated: 2020-03-02. Review status: no assertion criteria provided. Collection method: clinical testing. Allele origin: germline. Affected: yes. Not counted in ClinVar's aggregate classification.

Literature cited by the submitters: PubMed 31911673 (cited by Quest Diagnostics Nichols Institute San Juan Capistrano).